The following is an entry in ClinVar:

NM_000081.4(LYST):c.8151T>C (p.Ile2717=)

Gene: LYST (lysosomal trafficking regulator; minus strand). Cytogenetic location: 1q42.3.
Variant type: single nucleotide variant.
Coding change: c.8151T>C on transcript NM_000081.4 (MANE Select); coding-DNA position 8151, T replaced by C.
Protein change: p.Ile2717=; no amino-acid change (isoleucine 2717 retained).
Molecular consequence: synonymous variant.
Genome position (GRCh38, 1-based): chr1:235,743,979, A>G on the plus strand (T>C on the coding strand, the complement: LYST is on the minus strand). VCF-style: chr1-235743979-A-G. GRCh37 (hg19) VCF-style: chr1-235907279-A-G.
Other names: c.8151T>C, p.Ile2717= (NM_001301365.1).
Identifiers: ClinVar variation 211413 (VCV000211413.14), dbSNP rs201045270, ClinGen allele CA209755.

ClinVar aggregate classification (germline): Uncertain significance. Review status: criteria provided, multiple submitters, no conflicts (2 of 4 stars). 5 submissions from 5 submitters: Uncertain significance (4). 1 of the submissions does not count toward it. Last evaluated 2025-01-14.

Conditions:
Chédiak-Higashi syndrome (CHS). Also called: Chediak-Higashi Syndrome. Identifiers: Orphanet 167, MedGen C0007965, MONDO:0008963, OMIM 214500.
Inborn genetic diseases. Identifiers: MedGen C0950123, MeSH D030342.
LYST-related disorder. Also called: LYST-related condition.

Allele frequency attached by ClinVar (database versions not stated): TOPMed 0.00006; ESP Exome Variant Server 0.00008; gnomAD exomes 0.00007 and 0.00008; gnomAD 0.00011 and 0.00012; ExAC 0.00013.

Submissions (5):

Women's Health and Genetics/Laboratory Corporation of America, LabCorp
Classification: Uncertain significance. Last evaluated: 2025-01-14. Review status: criteria provided, single submitter. Criteria: LabCorp Variant Classification Summary - May 2015. Collection method: clinical testing. Allele origin: germline.
Comment: Variant summary: LYST c.8151T>C (p.Ile2717Ile) alters a conserved nucleotide located close to a canonical splice site and therefore could affect mRNA splicing, leading to a significantly altered protein sequence. Consensus agreement among computation tools predict no significant impact on normal splicing. However, these predictions have yet to be confirmed by functional studies. The variant allele was found at a frequency of 7.2e-05 in 249838 control chromosomes. This frequency is not significantly higher than estimated for a pathogenic variant in LYST causing Chediak-Higashi Syndrome (7.2e-05 vs 0.0011), allowing no conclusion about variant significance. To our knowledge, no occurrence of c.8151T>C in individuals affected with Chediak-Higashi Syndrome and no experimental evidence demonstrating its impact on protein function have been reported. ClinVar contains an entry for this variant (Variation ID: 211413). Based on the evidence outlined above, the variant was classified as uncertain significance.

Labcorp Genetics (formerly Invitae), Labcorp
Classification: Uncertain significance for Chédiak-Higashi syndrome. Last evaluated: 2022-10-25. Review status: criteria provided, single submitter. Criteria: Invitae Variant Classification Sherloc (09022015). Collection method: clinical testing. Allele origin: germline.
Comment: This sequence change affects codon 2717 of the LYST mRNA. It is a 'silent' change, meaning that it does not change the encoded amino acid sequence of the LYST protein. It affects a nucleotide within the consensus splice site. This variant is present in population databases (rs201045270, gnomAD 0.02%). This variant has not been reported in the literature in individuals affected with LYST-related conditions. ClinVar contains an entry for this variant (Variation ID: 211413). Algorithms developed to predict the effect of sequence changes on RNA splicing suggest that this variant is not likely to affect RNA splicing. In summary, the available evidence is currently insufficient to determine the role of this variant in disease. Therefore, it has been classified as a Variant of Uncertain Significance.

Ambry Genetics
Classification: Uncertain significance for Inborn genetic diseases. Last evaluated: 2021-10-16. Review status: criteria provided, single submitter. Criteria: Ambry Variant Classification Scheme 2023. Collection method: clinical testing. Allele origin: germline.
Comment: Occurs in the last base pair of the exon Based on insufficient or conflicting evidence, the clinical significance of this alteration remains unclear.

Genetic Services Laboratory, University of Chicago
Classification: Uncertain significance. Last evaluated: 2015-06-25. Review status: criteria provided, single submitter. Criteria: ACMG Guidelines, 2015. Collection method: clinical testing. Allele origin: germline.

PreventionGenetics, part of Exact Sciences
Classification: Likely benign for LYST-related condition. Last evaluated: 2023-12-16. Review status: no assertion criteria provided. Collection method: clinical testing. Allele origin: germline. Not counted in ClinVar's aggregate classification.
Comment: This variant is classified as likely benign based on ACMG/AMP sequence variant interpretation guidelines (Richards et al. 2015 PMID: 25741868, with internal and published modifications).